The following is an entry in ClinVar:

NM_001365276.2(TNXB):c.4203_4206del (p.Phe1402fs)

Gene: TNXB (tenascin XB; minus strand). Cytogenetic location: 6p21.33.
Variant type: Deletion.
Coding change: c.4203_4206del on transcript NM_001365276.2 (MANE Select); coding-DNA positions 4203 to 4206, 4 bases deleted (TTTC; older notation c.4203_4206delTTTC).
Protein change: p.Phe1402fs; shifts the reading frame from phenylalanine 1402.
Molecular consequence: frameshift variant.
Genome position (GRCh38, 1-based): chr6:32,079,202-32,079,205, GAAA deleted on the plus strand (TTTC on the coding strand, the reverse complement: TNXB is on the minus strand); deleting any 4 consecutive bases within chr6:32,079,202-32,079,207 gives the same sequence; the c. name uses the placement nearest the transcript's 3' end. VCF-style (leftmost placement, unchanged base first): chr6-32079201-TGAAA-T. GRCh37 (hg19) VCF-style: chr6-32046978-TGAAA-T.
Other names: c.4944_4947del, p.Phe1649fs (NM_001428335.1); c.4203_4206del, p.Phe1402fs (NM_019105.8); short protein forms F1402fs, F1649fs.
Identifiers: ClinVar variation 5015560 (VCV005015560.1).

ClinVar aggregate classification (germline): Pathogenic (1 of 4 stars; one submission).

Conditions:
Ehlers-Danlos syndrome due to tenascin-X deficiency (EDSCLL1). Also called: EDS DUE TO TNX DEFICIENCY; TNX DEFICIENCY; Ehlers-Danlos syndrome, classic-like, 1; EHLERS-DANLOS SYNDROME, CLASSIC-LIKE; TNXB-Related Classical-Like Ehlers-Danlos Syndrome. Identifiers: Orphanet 230839, MedGen C1848029, MONDO:0011670, OMIM 606408.

Submission:

Myriad Genetics, Inc.
Classification: Pathogenic for Ehlers-Danlos syndrome due to tenascin-X deficiency. Last evaluated: 2026-02-17. Review status: criteria provided, single submitter. Criteria: Myriad Autosomal Dominant, Autosomal Recessive and X-Linked Classification Criteria (2023). Collection method: clinical testing. Allele origin: unknown.
Comment: NM_019105.6(TNXB):c.4203_4206delTTTC(F1402Pfs*28) is expected to be pathogenic in the context of classical-like Ehlers-Danlos syndrome, TNXB-related. This variant is predicted to lead to an abnormal or absent protein product due to the creation of a premature termination codon in TNXB, a gene where loss-of-function variants are known to be pathogenic. Please note: this variant was assessed in the context of healthy population screening.